The following is an entry in ClinVar:

NM_021116.4(ADCY1):c.553A>G (p.Ile185Val)

Gene: ADCY1 (adenylate cyclase 1; plus strand). Cytogenetic location: 7p12.3.
Variant type: single nucleotide variant.
Coding change: c.553A>G on transcript NM_021116.4 (MANE Select); coding-DNA position 553, A replaced by G.
Protein change: p.Ile185Val; replaces isoleucine 185 with valine.
Molecular consequence: missense variant. On other transcripts: 5 prime UTR variant (1).
Genome position (GRCh38, 1-based): chr7:45,575,096, A>G. VCF-style: chr7-45575096-A-G. GRCh37 (hg19) VCF-style: chr7-45614695-A-G.
Other names: c.-123A>G (NM_001281768.2); c.553A>G (NM_021116.2); short protein forms I185V.
Identifiers: ClinVar variation 3001503 (VCV003001503.4), dbSNP rs1235710592, ClinGen allele CA367558953.

ClinVar aggregate classification (germline): Uncertain significance. Review status: criteria provided, multiple submitters, no conflicts (2 of 4 stars). 2 submissions from 2 submitters: Uncertain significance (2). Last evaluated 2025-10-23.

Conditions:
Inborn genetic diseases. Identifiers: MedGen C0950123, MeSH D030342.

Allele frequency attached by ClinVar (database versions not stated): gnomAD exomes 0.00001; gnomAD 0.00002; TOPMed 0.00002.
gnomAD v4.1: 10 of 1,612,674 alleles (0.00062%); highest among the groups gnomAD compares: Non-Finnish European, 0.00085%; no homozygotes.

Submissions (2):

Ambry Genetics
Classification: Uncertain significance for Inborn genetic diseases. Last evaluated: 2025-10-23. Review status: criteria provided, single submitter. Criteria: Ambry Variant Classification Scheme 2023. Collection method: clinical testing. Allele origin: germline.

Labcorp Genetics (formerly Invitae), Labcorp
Classification: Uncertain significance. Last evaluated: 2023-07-16. Review status: criteria provided, single submitter. Criteria: Invitae Variant Classification Sherloc (09022015). Collection method: clinical testing. Allele origin: germline.
Comment: In summary, the available evidence is currently insufficient to determine the role of this variant in disease. Therefore, it has been classified as a Variant of Uncertain Significance. Algorithms developed to predict the effect of missense changes on protein structure and function output the following: SIFT: "Not Available"; PolyPhen-2: "Benign"; Align-GVGD: "Not Available". The valine amino acid residue is found in multiple mammalian species, which suggests that this missense change does not adversely affect protein function. This variant has not been reported in the literature in individuals affected with ADCY1-related conditions. This variant is not present in population databases (gnomAD no frequency). This sequence change replaces isoleucine, which is neutral and non-polar, with valine, which is neutral and non-polar, at codon 185 of the ADCY1 protein (p.Ile185Val).